The following is an entry in ClinVar:

ClinVar aggregate classification (germline): Uncertain significance (1 of 4 stars; one submission).

Conditions:
Ethylmalonic encephalopathy (EE). Also called: EPEMA syndrome; Encephalopathy, petechiae, and ethylmalonic aciduria; Syndrome of encephalopathy, petechiae, and ethylmalonic aciduria. Identifiers: Orphanet 51188, MedGen C1865349, MONDO:0011229, OMIM 602473. Disease mechanism: loss of function.

gnomAD v4.1: 3 of 1,607,846 alleles (0.00019%); highest among the groups gnomAD compares: African/African-American, 0.0027%; no homozygotes.

Submission:

Neuberg Centre For Genomic Medicine, NCGM
Classification: Uncertain significance for Ethylmalonic encephalopathy. Last evaluated: 2024-02-01. Review status: criteria provided, single submitter. Criteria: ACMG Guidelines, 2015. Collection method: clinical testing. Allele origin: germline. Inheritance: Autosomal recessive inheritance.
Comment: The missense variant has not been reported previously as a pathogenic variant nor as a benign variant, to our knowledge.

NM_014297.5(ETHE1):c.530C>G (p.Ser177Trp)

Gene: ETHE1 (ETHE1 persulfide dioxygenase; minus strand). Cytogenetic location: 19q13.31.
Variant type: single nucleotide variant.
Coding change: c.530C>G on transcript NM_014297.5 (MANE Select); coding-DNA position 530, C replaced by G.
Protein change: p.Ser177Trp; replaces serine 177 with tryptophan.
Molecular consequence: missense variant.
Genome position (GRCh38, 1-based): chr19:43,508,840, G>C on the plus strand (C>G on the coding strand, the complement: ETHE1 is on the minus strand). VCF-style: chr19-43508840-G-C. GRCh37 (hg19) VCF-style: chr19-44012992-G-C.
Other names: c.497C>G, p.Ser166Trp (NM_001320867.2); c.161C>G, p.Ser54Trp (NM_001320868.2); c.236C>G, p.Ser79Trp (NM_001320869.2); short protein forms S166W, S177W, S54W, S79W.
Identifiers: ClinVar variation 3897976 (VCV003897976.1).
Genomic context (GRCh38, chr19:43,508,840, plus strand): 5'-TAATCGTGAGCAGGGTAGATCAGACAGTCTCCTGGAAGTGTGAAGATCTTTTCATGGACC[G>C]AGTGGTACAAGGTCTTGGCACAGCCTGGGGAAGGAAAGATCAGAGGTCAGTGGATCAACA-3'
Protein context (NP_055112.2, residues 167-187): QQGCAKTLYH[Ser177Trp]VHEKIFTLPG